The following is an entry in ClinVar:

ClinVar aggregate classification (germline): Uncertain significance (1 of 4 stars; one submission).

Conditions:
Inborn genetic diseases. Identifiers: MedGen C0950123, MeSH D030342.

Submission:

Ambry Genetics
Classification: Uncertain significance for Inborn genetic diseases. Last evaluated: 2024-01-12. Review status: criteria provided, single submitter. Criteria: Ambry Variant Classification Scheme 2023. Collection method: clinical testing. Allele origin: germline.
Comment: Loss of function has not been established as a mechanism of disease Based on insufficient or conflicting evidence, the clinical significance of this alteration remains unclear.

NM_001540.5(HSPB1):c.124_125insTC (p.Trp42fs)

Gene: HSPB1 (heat shock protein family B (small) member 1; plus strand). Cytogenetic location: 7q11.23.
Variant type: Insertion.
Coding change: c.124_125insTC on transcript NM_001540.5 (MANE Select); coding-DNA positions 124 to 125, TC inserted.
Protein change: p.Trp42fs; shifts the reading frame from tryptophan 42.
Molecular consequence: frameshift variant.
Genome position: GRCh38 VCF-style: chr7-76302836-T-TTC. GRCh37 (hg19) VCF-style: chr7-75932153-T-TTC.
Other names: short protein forms W42fs.
Identifiers: ClinVar variation 3107363 (VCV003107363.1), dbSNP rs2536149138, ClinGen allele CA2825001572.
Genomic context (GRCh38, chr7:76,302,836, plus strand): 5'-TGGTACCCGCATAGCCGCCTCTTCGACCAGGCCTTCGGGCTGCCCCGGCTGCCGGAGGAG[T>TTC]GGTCGCAGTGGTTAGGCGGCAGCAGCTGGCCAGGCTACGTGCGCCCCCTGCCCCCCGCCG-3'